The following is an entry in ClinVar:

ClinVar aggregate classification (germline): Uncertain significance (1 of 4 stars; one submission).

Submission:

GeneDx
Classification: Uncertain significance. Last evaluated: 2024-05-16. Review status: criteria provided, single submitter. Criteria: GeneDx Variant Classification Process June 2021. Collection method: clinical testing. Allele origin: germline. Affected: yes.
Comment: Not observed at significant frequency in large population cohorts (gnomAD); In silico analysis supports that this missense variant has a deleterious effect on protein structure/function; Has not been previously published as pathogenic or benign to our knowledge

NM_170675.5(MEIS2):c.707C>G (p.Ser236Cys)

Gene: MEIS2 (Meis homeobox 2; minus strand). Cytogenetic location: 15q14.
Variant type: single nucleotide variant.
Coding change: c.707C>G on transcript NM_170675.5 (MANE Select); coding-DNA position 707, C replaced by G.
Protein change: p.Ser236Cys; replaces serine 236 with cysteine.
Molecular consequence: missense variant. On other transcripts: non-coding transcript variant (1).
Genome position (GRCh38, 1-based): chr15:37,083,818, G>C on the plus strand (C>G on the coding strand, the complement: MEIS2 is on the minus strand). VCF-style: chr15-37083818-G-C. GRCh37 (hg19) VCF-style: chr15-37376019-G-C.
Other names: c.707C>G, p.Ser236Cys (NM_001220482.2, NM_170674.5, NM_170676.5 and 1 more transcripts); c.668C>G, p.Ser223Cys (NM_002399.4, NM_172315.3); c.443C>G, p.Ser148Cys (NM_172316.3); short protein forms S148C, S223C, S236C.
Identifiers: ClinVar variation 3378078 (VCV003378078.1).